The following is an entry in ClinVar:

ClinVar aggregate classification (germline): Conflicting classifications of pathogenicity. Review status: criteria provided, conflicting classifications (1 of 4 stars). 4 submissions from 4 submitters: Likely pathogenic (3); Uncertain significance (1). Last evaluated 2026-01-04.

Conditions:
Thrombophilia due to protein S deficiency, autosomal recessive (THPH6). Identifiers: Orphanet 743, MedGen C3281092, MONDO:0013791, OMIM 614514. Disease mechanism: loss of function.
Thrombophilia due to protein S deficiency, autosomal dominant (THPH5). Identifiers: Orphanet 26349, Orphanet 743, MedGen C3278211, MONDO:0012868, OMIM 612336. Disease mechanism: loss of function.

Allele frequency attached by ClinVar (database versions not stated): TOPMed 0.00001; gnomAD exomes below 0.00001; ExAC 0.00001; gnomAD 0.00001.
gnomAD v4.1: 17 of 1,613,004 alleles (0.0011%); highest among the groups gnomAD compares: Non-Finnish European, 0.0014%; no homozygotes.

Submissions (4):

Labcorp Genetics (formerly Invitae), Labcorp
Classification: Uncertain significance for Thrombophilia due to protein S deficiency, autosomal recessive. Last evaluated: 2026-01-04. Review status: criteria provided, single submitter. Criteria: Invitae Variant Classification Sherloc (09022015). Collection method: clinical testing. Allele origin: germline.
Comment: This sequence change replaces methionine, which is neutral and non-polar, with threonine, which is neutral and polar, at codon 611 of the PROS1 protein (p.Met611Thr). This variant is present in population databases (rs750531364, gnomAD 0.002%). This missense change has been observed in individual(s) with protein S deficiency (PMID: 7545463, 8781426). This variant is also known as Met570Thr. ClinVar contains an entry for this variant (Variation ID: 1503626). Invitae Evidence Modeling of protein sequence and biophysical properties (such as structural, functional, and spatial information, amino acid conservation, physicochemical variation, residue mobility, and thermodynamic stability) has been performed for this missense variant. However, the output from this modeling did not meet the statistical confidence thresholds required to predict the impact of this variant on PROS1 protein function. In summary, the available evidence is currently insufficient to determine the role of this variant in disease. Therefore, it has been classified as a Variant of Uncertain Significance.

GeneDx
Classification: Likely pathogenic. Last evaluated: 2025-12-29. Review status: criteria provided, single submitter. Criteria: GeneDx Variant Classification Process June 2021. Collection method: clinical testing. Allele origin: germline.
Comment: Not observed at significant frequency in large population cohorts (gnomAD); In silico analysis supports that this missense variant has a deleterious effect on protein structure/function; This variant is associated with the following publications: (PMID: 37647632, 39409046, 7545463, 8781426)

Mayo Clinic Laboratories, Mayo Clinic
Classification: Likely pathogenic. Last evaluated: 2025-03-07. Review status: criteria provided, single submitter. Criteria: ACMG Guidelines, 2015. Collection method: clinical testing. Allele origin: germline. Observed: 4 variant alleles.
Comment: PP3_moderate, PM1_supporting, PM2_supporting, PS4

Genetics and Molecular Pathology, SA Pathology
Classification: Likely pathogenic for Thrombophilia due to protein S deficiency, autosomal dominant. Last evaluated: 2022-03-31. Review status: criteria provided, single submitter. Criteria: ACMG Guidelines, 2015. Collection method: clinical testing. Allele origin: germline. Inheritance: Autosomal dominant inheritance. Affected: yes.

Literature cited by the submitters: PubMed 7545463 (cited by Labcorp Genetics (formerly Invitae), Labcorp and Mayo Clinic Laboratories, Mayo Clinic); PubMed 8781426 (cited by Labcorp Genetics (formerly Invitae), Labcorp); PubMed 37647632 (cited by Mayo Clinic Laboratories, Mayo Clinic); PubMed 39409046 (cited by Mayo Clinic Laboratories, Mayo Clinic).

NM_000313.4(PROS1):c.1832T>C (p.Met611Thr)

Gene: PROS1 (protein S; minus strand). Cytogenetic location: 3q11.1.
Variant type: single nucleotide variant.
Coding change: c.1832T>C on transcript NM_000313.4 (MANE Select); coding-DNA position 1832, T replaced by C.
Protein change: p.Met611Thr; replaces methionine 611 with threonine.
Molecular consequence: missense variant.
Genome position (GRCh38, 1-based): chr3:93,877,004, A>G on the plus strand (T>C on the coding strand, the complement: PROS1 is on the minus strand). VCF-style: chr3-93877004-A-G. GRCh37 (hg19) VCF-style: chr3-93595848-A-G.
Other names: p.Met611Thr; c.1928T>C, p.Met643Thr (NM_001314077.2); c.1832T>C (NM_000313.3); short protein forms M611T, M643T.
Identifiers: ClinVar variation 1503626 (VCV001503626.12), dbSNP rs750531364, ClinGen allele CA2503091.